The following is an entry in ClinVar:

NM_033028.5(BBS4):c.1203dup (p.Val402fs)

Gene: BBS4 (Bardet-Biedl syndrome 4; plus strand). Cytogenetic location: 15q24.1.
Variant type: Duplication.
Coding change: c.1203dup on transcript NM_033028.5 (MANE Select); coding-DNA position 1203, one base duplicated (A; older notation c.1203dupA).
Protein change: p.Val402fs; shifts the reading frame from valine 402.
Molecular consequence: frameshift variant. On other transcripts: non-coding transcript variant (2).
Genome position (GRCh38, 1-based): chr15:72,735,921, A duplicated; the last of 3 consecutive A bases (chr15:72,735,919-72,735,921); duplicating any one gives the same sequence. VCF-style (leftmost placement, unchanged base first): chr15-72735918-G-GA. GRCh37 (hg19) VCF-style: chr15-73028259-G-GA.
Other names: c.687dup, p.Val230fs (NM_001252678.2); c.1134dup, p.Val379fs (NM_001320665.2); short protein forms V230fs, V402fs, V379fs.
Identifiers: ClinVar variation 2834059 (VCV002834059.3), dbSNP rs2543012535, ClinGen allele CA2739269564.

ClinVar aggregate classification (germline): Pathogenic (1 of 4 stars; one submission).

Conditions:
Bardet-Biedl syndrome (BBS). Identifiers: Orphanet 110, MedGen C0752166, MONDO:0015229.

Submission:

Labcorp Genetics (formerly Invitae), Labcorp
Classification: Pathogenic for Bardet-Biedl syndrome. Last evaluated: 2023-02-07. Review status: criteria provided, single submitter. Criteria: Invitae Variant Classification Sherloc (09022015). Collection method: clinical testing. Allele origin: germline.
Comment: This sequence change creates a premature translational stop signal (p.Val402Serfs*8) in the BBS4 gene. It is expected to result in an absent or disrupted protein product. Loss-of-function variants in BBS4 are known to be pathogenic (PMID: 11381270, 12016587, 20177705, 27894351). This variant is not present in population databases (gnomAD no frequency). This variant has not been reported in the literature in individuals affected with BBS4-related conditions. For these reasons, this variant has been classified as Pathogenic.

Literature cited by the submitters: PubMed 11381270; PubMed 12016587; PubMed 20177705; PubMed 27894351.